The following is an entry in ClinVar:

NM_005359.6(SMAD4):c.688G>A (p.Gly230Arg)

Gene: SMAD4 (SMAD family member 4; plus strand). Cytogenetic location: 18q21.2.
Variant type: single nucleotide variant.
Coding change: c.688G>A on transcript NM_005359.6 (MANE Select); coding-DNA position 688, G replaced by A.
Protein change: p.Gly230Arg; replaces glycine 230 with arginine.
Molecular consequence: missense variant.
Genome position (GRCh38, 1-based): chr18:51,058,145, G>A. VCF-style: chr18-51058145-G-A. GRCh37 (hg19) VCF-style: chr18-48584515-G-A.
Other names: c.688G>A (NM_005359.5); short protein forms G230R.
Identifiers: ClinVar variation 1426373 (VCV001426373.10), dbSNP rs1568206043, ClinGen allele CA402462660.

ClinVar aggregate classification (germline): Uncertain significance. Review status: criteria provided, multiple submitters, no conflicts (2 of 4 stars). 3 submissions from 3 submitters: Uncertain significance (3). Last evaluated 2026-07-22.

Conditions:
Familial thoracic aortic aneurysm and aortic dissection (TAAD). Also called: Thoracic aortic aneurysms and dissections. Identifiers: Orphanet 91387, MedGen C4707243, MONDO:0019625.
Hereditary cancer-predisposing syndrome. Also called: Hereditary Cancer Syndrome; Neoplastic Syndromes, Hereditary; Hereditary neoplastic syndrome; Tumor predisposition. Identifiers: Orphanet 140162, MedGen C0027672, MeSH D009386, MONDO:0015356.
Juvenile polyposis syndrome (JPS). Identifiers: Orphanet 2929, MedGen C0345893, MONDO:0017380, OMIM 174900.

gnomAD v4.1: 1 of 1,614,084 alleles (0.000062%); highest among the groups gnomAD compares: Non-Finnish European, 0.000085%; no homozygotes.

Submissions (3):

Ambry Genetics
Classification: Uncertain significance for Hereditary cancer-predisposing syndrome; Familial thoracic aortic aneurysm and aortic dissection. Last evaluated: 2026-07-22. Review status: criteria provided, single submitter. Criteria: Ambry Variant Classification Scheme 2023. Collection method: clinical testing. Allele origin: germline.
Comment: The p.G230R variant (also known as c.688G>A), located in coding exon 5 of the SMAD4 gene, results from a G to A substitution at nucleotide position 688. The glycine at codon 230 is replaced by arginine, an amino acid with dissimilar properties. This amino acid position is poorly conserved in available vertebrate species. In addition, this alteration is predicted to be tolerated by in silico analysis. Based on the available evidence, the clinical significance of this variant remains unclear.

Labcorp Genetics (formerly Invitae), Labcorp
Classification: Uncertain significance for Juvenile polyposis syndrome. Last evaluated: 2025-11-05. Review status: criteria provided, single submitter. Criteria: Invitae Variant Classification Sherloc (09022015). Collection method: clinical testing. Allele origin: germline.
Comment: This sequence change replaces glycine, which is neutral and non-polar, with arginine, which is basic and polar, at codon 230 of the SMAD4 protein (p.Gly230Arg). This variant is not present in population databases (gnomAD no frequency). This variant has not been reported in the literature in individuals affected with SMAD4-related conditions. ClinVar contains an entry for this variant (Variation ID: 1426373). Invitae Evidence Modeling of protein sequence and biophysical properties (such as structural, functional, and spatial information, amino acid conservation, physicochemical variation, residue mobility, and thermodynamic stability) indicates that this missense variant is not expected to disrupt SMAD4 protein function with a negative predictive value of 95%. In summary, the available evidence is currently insufficient to determine the role of this variant in disease. Therefore, it has been classified as a Variant of Uncertain Significance.

Color Diagnostics, LLC DBA Color Health
Classification: Uncertain significance for Hereditary cancer-predisposing syndrome. Last evaluated: 2025-06-30. Review status: criteria provided, single submitter. Criteria: ACMG Guidelines, 2015. Collection method: clinical testing. Allele origin: germline.
Comment: This missense variant replaces glycine with arginine at codon 230 of the SMAD4 protein. Computational prediction suggests that this variant may not impact protein structure and function. To our knowledge, functional studies have not been reported for this variant. This variant has not been reported in individuals affected with SMAD4-related disorders in the literature. This variant has not been identified in the general population by the Genome Aggregation Database (gnomAD). The available evidence is insufficient to determine the role of this variant in disease conclusively. Therefore, this variant is classified as a Variant of Uncertain Significance.